The following is an entry in ClinVar:

ClinVar aggregate classification (germline): Conflicting classifications of pathogenicity. Review status: criteria provided, conflicting classifications (1 of 4 stars). 3 submissions from 1 submitter: Uncertain significance (2); Benign (1). Last evaluated 2018-01-13.

Conditions:
Corticosterone 18-monooxygenase deficiency. Also called: ALDOSTERONE DEFICIENCY DUE TO DEFECT IN STEROID 18-HYDROXYLASE; ALDOSTERONE DEFICIENCY I; CMO I DEFICIENCY; STEROID 18-HYDROXYLASE DEFICIENCY; 18 Hydroxylase deficiency; Aldosterone deficiency due to defect in 18 hydroxylase. Identifiers: Orphanet 427, MedGen C0268293, MONDO:0008751, OMIM 203400. Disease mechanism: loss of function.
Corticosterone methyloxidase type 2 deficiency. Also called: 18-OXIDASE DEFICIENCY; ALDOSTERONE DEFICIENCY DUE TO DEFICIENCY OF STEROID 18-OXIDASE; ALDOSTERONE DEFICIENCY II; CMO II DEFICIENCY; STEROID 18-OXIDASE DEFICIENCY. Identifiers: Orphanet 427, MedGen C3463917, MONDO:0012524, OMIM 610600. Disease mechanism: loss of function.
Glucocorticoid-remediable aldosteronism. Also called: Hyperaldosteronism, familial, type I; ACTH-DEPENDENT HYPERALDOSTERONISM SYNDROME; ALDOSTERONISM, SENSITIVE TO DEXAMETHASONE; FH I; GLUCOCORTICOID-SUPPRESSIBLE HYPERALDOSTERONISM. Identifiers: Orphanet 403, MedGen C3838731, MONDO:0007080, OMIM 103900.

Allele frequency attached by ClinVar (database versions not stated): TOPMed 0.00010; gnomAD 0.00012 and 0.00014; 1000 Genomes Project 0.00040; 1000 Genomes Project 30x 0.00047.

Submissions (3):

Illumina Laboratory Services, Illumina
Classification: Uncertain significance for Corticosterone 18-monooxygenase deficiency. Last evaluated: 2018-01-13. Review status: criteria provided, single submitter. Criteria: ICSL Variant Classification Criteria 13 December 2019. Collection method: clinical testing. Allele origin: germline.

Illumina Laboratory Services, Illumina
Classification: Benign for Hyperaldosteronism, familial, type I. Last evaluated: 2018-01-13. Review status: criteria provided, single submitter. Criteria: ICSL Variant Classification Criteria 13 December 2019. Collection method: clinical testing. Allele origin: germline.
Comment: This variant was observed in the ICSL laboratory as part of a predisposition screen in an ostensibly healthy population. It had not been previously curated by ICSL or reported in the Human Gene Mutation Database (HGMD: prior to June 1st, 2018), and was therefore a candidate for classification through an automated scoring system. Utilizing variant allele frequency, disease prevalence and penetrance estimates, and inheritance mode, an automated score was calculated to assess if this variant is too frequent to cause the disease. Based on the score and internal cut-off values, a variant classified as benign is not then subjected to further curation. The score for this variant resulted in a classification of benign for this disease.

Illumina Laboratory Services, Illumina
Classification: Uncertain significance for Corticosterone methyloxidase type 2 deficiency. Last evaluated: 2018-01-13. Review status: criteria provided, single submitter. Criteria: ICSL Variant Classification Criteria 13 December 2019. Collection method: clinical testing. Allele origin: germline.

NM_000498.3(CYP11B2):c.*579T>C

Genes: CYP11B2 (cytochrome P450 family 11 subfamily B member 2; minus strand), LOC106799834 (CYP11B2 recombination region; plus strand). Cytogenetic location: 8q24.3.
Variant type: single nucleotide variant.
Coding change: c.*579T>C on transcript NM_000498.3 (MANE Select); 579 bases downstream of the stop codon, T replaced by C.
Molecular consequence: 3 prime UTR variant.
Genome position (GRCh38, 1-based): chr8:142,911,401, A>G on the plus strand (T>C on the coding strand, the complement: CYP11B2 is on the minus strand). VCF-style: chr8-142911401-A-G. GRCh37 (hg19) VCF-style: chr8-143992817-A-G.
Identifiers: ClinVar variation 362181 (VCV000362181.5), dbSNP rs559136479, ClinGen allele CA10630439.